The following is an entry in ClinVar:

NC_000001.10:g.(?_171072906)_(171080158_?)dup

Gene: FMO3 (flavin containing dimethylaniline monoxygenase 3; plus strand). Cytogenetic location: 1q24.3.
Variant type: Duplication.
Identifiers: ClinVar variation 3247980 (VCV003247980.1).

ClinVar aggregate classification (germline): Likely pathogenic (1 of 4 stars; one submission).

Submission:

Labcorp Genetics (formerly Invitae), Labcorp
Classification: Likely pathogenic. Last evaluated: 2023-03-23. Review status: criteria provided, single submitter. Criteria: Invitae Variant Classification Sherloc (09022015). Collection method: clinical testing. Allele origin: unknown.
Comment: In summary, the currently available evidence indicates that the variant is pathogenic, but additional data are needed to prove that conclusively. Therefore, this variant has been classified as Likely Pathogenic. This variant has not been reported in the literature in individuals affected with FMO3-related conditions. This variant results in a copy number gain of the genomic region encompassing exon(s) 3-6 of the FMO3 gene. While the exact position of this variant cannot be determined from the data, sub-genic copy number gains are generally in tandem (PMID: 25640679). This variant is predicted to be out-of-frame, and may result in an absent or disrupted protein product. Loss-of-function variants in FMO3 are known to be pathogenic (PMID: 20301282).

Literature cited by the submitters: PubMed 25640679; PubMed 20301282.